The following is an entry in ClinVar:

ClinVar aggregate classification (germline): Conflicting classifications of pathogenicity. Review status: criteria provided, conflicting classifications (1 of 4 stars). 2 submissions from 2 submitters: Uncertain significance (1); Benign (1). Last evaluated 2024-04-25.

Conditions:
Familial cancer of breast. Also called: BREAST CANCER, FAMILIAL; Hereditary breast cancer; hereditary breast carcinoma. Identifiers: Orphanet 227535, MedGen C0346153, MONDO:0016419, OMIM 114480. Disease mechanism: loss of function.

Submissions (2):

Myriad Genetics, Inc.
Classification: Benign for Familial cancer of breast. Last evaluated: 2024-04-25. Review status: criteria provided, single submitter. Criteria: Myriad Autosomal Dominant, Autosomal Recessive and X-Linked Classification Criteria (2023). Collection method: clinical testing. Allele origin: unknown.
Comment: This variant is considered benign. This variant is a silent/synonymous amino acid change and it is not expected to impact splicing.

Department of Pathology and Laboratory Medicine, Sinai Health System
Classification: Uncertain significance for Familial cancer of breast. Last evaluated: 2023-03-16. Review status: criteria provided, single submitter. Criteria: ACMG Guidelines, 2015. Collection method: clinical testing. Allele origin: germline. Affected: yes.

NM_000051.4(ATM):c.1068T>G (p.Val356=)

Gene: ATM (ATM serine/threonine kinase; plus strand). Cytogenetic location: 11q22.3.
Variant type: single nucleotide variant.
Coding change: c.1068T>G on transcript NM_000051.4 (MANE Select); coding-DNA position 1068, T replaced by G.
Protein change: p.Val356=; no amino-acid change (valine 356 retained).
Molecular consequence: synonymous variant.
Genome position (GRCh38, 1-based): chr11:108,248,935, T>G. VCF-style: chr11-108248935-T-G. GRCh37 (hg19) VCF-style: chr11-108119662-T-G.
Other names: c.1068T>G, p.Val356= (NM_001351834.2); c.1068T>G (NM_000051.2).
Identifiers: ClinVar variation 3253866 (VCV003253866.2), dbSNP rs1462038794.
Genomic context (GRCh38, chr11:108,248,935, plus strand): 5'-CGAAACTCTGGCTCAAAAAAAAAAAAAAGAAAAAAGTGGATTTATTTTTATTTTACAGGT[T>G]TTTAATGAAGATACCAGATCCTTGGAGATTTCTCAATCTTACACTACTACACAAAGAGAA-3'
Protein context (NP_000042.3, residues 346-366): IELMADICHQ[Val356=]FNEDTRSLEI